The following is an entry in ClinVar:

ClinVar aggregate classification (germline): Likely benign (0 of 4 stars; one submission).

Conditions:
KDM2B-related disorder. Also called: KDM2B-related condition.

Allele frequency attached by ClinVar (database versions not stated): gnomAD exomes below 0.00001; TOPMed 0.00002.
gnomAD v4.1: 23 of 1,613,748 alleles (0.0014%); highest among the groups gnomAD compares: East Asian, 0.0089%; no homozygotes.

Submission:

PreventionGenetics, part of Exact Sciences
Classification: Likely benign for KDM2B-related condition. Last evaluated: 2019-02-21. Review status: no assertion criteria provided. Collection method: clinical testing. Allele origin: germline.
Comment: This variant is classified as likely benign based on ACMG/AMP sequence variant interpretation guidelines (Richards et al. 2015 PMID: 25741868, with internal and published modifications).

NM_032590.5(KDM2B):c.931+10C>T

Gene: KDM2B (lysine demethylase 2B; minus strand). Cytogenetic location: 12q24.31.
Variant type: single nucleotide variant.
Coding change: c.931+10C>T on transcript NM_032590.5 (MANE Select); 10 bases into the intron after coding-DNA position 931, C replaced by T.
Molecular consequence: intron variant.
Genome position (GRCh38, 1-based): chr12:121,532,796, G>A on the plus strand (C>T on the coding strand, the complement: KDM2B is on the minus strand). VCF-style: chr12-121532796-G-A. GRCh37 (hg19) VCF-style: chr12-121970701-G-A.
Other names: c.838+10C>T (NM_001005366.2).
Identifiers: ClinVar variation 3058538 (VCV003058538.2), dbSNP rs375664288, ClinGen allele CA244603024.